The following is an entry in ClinVar:

NM_016148.5(SHANK1):c.5468C>T (p.Pro1823Leu)

Gene: SHANK1 (SH3 and multiple ankyrin repeat domains 1; minus strand). Cytogenetic location: 19q13.33.
Variant type: single nucleotide variant.
Coding change: c.5468C>T on transcript NM_016148.5 (MANE Select); coding-DNA position 5468, C replaced by T.
Protein change: p.Pro1823Leu; replaces proline 1823 with leucine.
Molecular consequence: missense variant.
Genome position (GRCh38, 1-based): chr19:50,666,492, G>A on the plus strand (C>T on the coding strand, the complement: SHANK1 is on the minus strand). VCF-style: chr19-50666492-G-A. GRCh37 (hg19) VCF-style: chr19-51169749-G-A.
Other names: short protein forms P1823L.
Identifiers: ClinVar variation 3067722 (VCV003067722.21), dbSNP rs2513874216, ClinGen allele CA407006275.

ClinVar aggregate classification (germline): Uncertain significance (1 of 4 stars; one submission).

Submission:

CeGaT Center for Human Genetics Tuebingen
Classification: Uncertain significance. Last evaluated: 2024-03-01. Review status: criteria provided, single submitter. Criteria: CeGaT Center For Human Genetics Tuebingen Variant Classification Criteria Version 2. Collection method: clinical testing. Allele origin: germline. Affected: yes. Observed: 1 variant allele.
Comment: SHANK1: PM2